The following is an entry in ClinVar:

ClinVar aggregate classification (germline): Likely pathogenic (1 of 4 stars; one submission).

Conditions:
WDR11-related disorder. Also called: WDR11-related condition.

Submission:

Greenwood Genetic Center Diagnostic Laboratories, Greenwood Genetic Center
Classification: Likely pathogenic for WDR11-related disorder. Last evaluated: 2024-06-20. Review status: criteria provided, single submitter. Criteria: ACMG Guidelines, 2015. Collection method: clinical testing. Allele origin: germline. Affected: yes.
Comment: PVS1, PM2

NM_018117.12(WDR11):c.3141dup (p.Ser1048fs)

Gene: WDR11 (WD repeat domain 11; plus strand). Cytogenetic location: 10q26.12.
Variant type: Duplication.
Coding change: c.3141dup on transcript NM_018117.12 (MANE Select); coding-DNA position 3141, one base duplicated (G; older notation c.3141dupG).
Protein change: p.Ser1048fs; shifts the reading frame from serine 1048.
Molecular consequence: frameshift variant.
Genome position (GRCh38, 1-based): chr10:120,904,759, G duplicated. VCF-style (leftmost placement, unchanged base first): chr10-120904758-A-AG. GRCh37 (hg19) VCF-style: chr10-122664270-A-AG.
Other names: short protein forms S1048fs.
Identifiers: ClinVar variation 3338568 (VCV003338568.1).